The following is an entry in ClinVar:

ClinVar aggregate classification (germline): Uncertain significance (1 of 4 stars; one submission).

Conditions:
Microcephaly, normal intelligence and immunodeficiency (NBS). Also called: SEEMANOVA SYNDROME II; Ataxia telangiectasia variant V1; BERLIN BREAKAGE SYNDROME; Immunodeficiency, microcephaly with normal intelligence; Nijmegen breakage syndrome; Microcephaly with normal intelligence immunodeficiency and lymphoreticular malignancies. Identifiers: Orphanet 647, MedGen C0398791, MONDO:0009623, OMIM 251260.

Allele frequency attached by ClinVar (database versions not stated): gnomAD exomes below 0.00001.
gnomAD v4.1: 1 of 1,602,192 alleles (0.000062%); highest among the groups gnomAD compares: East Asian, 0.0022%; no homozygotes.

Submission:

Labcorp Genetics (formerly Invitae), Labcorp
Classification: Uncertain significance for Microcephaly, normal intelligence and immunodeficiency. Last evaluated: 2023-03-23. Review status: criteria provided, single submitter. Criteria: Invitae Variant Classification Sherloc (09022015). Collection method: clinical testing. Allele origin: germline.
Comment: In summary, the available evidence is currently insufficient to determine the role of this variant in disease. Therefore, it has been classified as a Variant of Uncertain Significance. An algorithm developed to predict the effect of missense changes on protein structure and function (PolyPhen-2) suggests that this variant is likely to be tolerated. ClinVar contains an entry for this variant (Variation ID: 1525535). This variant has not been reported in the literature in individuals affected with NBN-related conditions. This variant is not present in population databases (gnomAD no frequency). This sequence change replaces aspartic acid, which is acidic and polar, with valine, which is neutral and non-polar, at codon 677 of the NBN protein (p.Asp677Val).

NM_002485.5(NBN):c.2030A>T (p.Asp677Val)

Gene: NBN (nibrin; minus strand). Cytogenetic location: 8q21.3.
Variant type: single nucleotide variant.
Coding change: c.2030A>T on transcript NM_002485.5 (MANE Select); coding-DNA position 2030, A replaced by T.
Protein change: p.Asp677Val; replaces aspartic acid 677 with valine.
Molecular consequence: missense variant.
Genome position (GRCh38, 1-based): chr8:89,946,180, T>A on the plus strand (A>T on the coding strand, the complement: NBN is on the minus strand). VCF-style: chr8-89946180-T-A. GRCh37 (hg19) VCF-style: chr8-90958408-T-A.
Other names: c.1784A>T, p.Asp595Val (NM_001024688.3); short protein forms D595V, D677V.
Identifiers: ClinVar variation 1525535 (VCV001525535.8), dbSNP rs2130763851, ClinGen allele CA371676405.